The following is an entry in ClinVar:

NM_006206.6(PDGFRA):c.1559-18C>T

Gene: PDGFRA (platelet derived growth factor receptor alpha; plus strand). Cytogenetic location: 4q12.
Variant type: single nucleotide variant.
Coding change: c.1559-18C>T on transcript NM_006206.6 (MANE Select); 18 bases into the intron before coding-DNA position 1559, C replaced by T.
Molecular consequence: intron variant.
Genome position (GRCh38, 1-based): chr4:54,274,513, C>T. VCF-style: chr4-54274513-C-T. GRCh37 (hg19) VCF-style: chr4-55140680-C-T.
Other names: c.1634-18C>T (NM_001347828.2); c.1559-18C>T (NM_001347827.2, NM_001347829.2); c.1598-18C>T (NM_001347830.2).
Identifiers: ClinVar variation 2010899 (VCV002010899.5), dbSNP rs1480666053, ClinGen allele CA796314473.

ClinVar aggregate classification (germline): Likely benign. Review status: criteria provided, multiple submitters, no conflicts (2 of 4 stars). 2 submissions from 2 submitters: Likely benign (2). Last evaluated 2026-06-15.

Conditions:
Polyps, multiple and recurrent inflammatory fibroid, gastrointestinal. Identifiers: MedGen C5193005, MONDO:0008285, OMIM 175510.
Gastrointestinal stromal tumor. Also called: Gastrointestinal stroma tumor; Gastrointestinal stromal tumor, somatic. Identifiers: Orphanet 44890, MedGen C0238198, MeSH D046152, MONDO:0011719, OMIM 606764, HP:0100723.

Allele frequency attached by ClinVar (database versions not stated): gnomAD exomes below 0.00001; TOPMed below 0.00001; gnomAD 0.00001.
gnomAD v4.1: 2 of 1,592,852 alleles (0.00013%); highest among the groups gnomAD compares: Non-Finnish European, 0.00017%; no homozygotes.

Submissions (2):

Myriad Genetics, Inc.
Classification: Likely benign for Polyps, multiple and recurrent inflammatory fibroid, gastrointestinal. Last evaluated: 2026-06-15. Review status: criteria provided, single submitter. Criteria: Myriad Autosomal Dominant, Autosomal Recessive and X-Linked Classification Criteria (2023). Collection method: clinical testing. Allele origin: unknown.
Comment: This variant is considered likely benign. This variant is intronic and is not expected to impact mRNA splicing.

Labcorp Genetics (formerly Invitae), Labcorp
Classification: Likely benign for Gastrointestinal stromal tumor. Last evaluated: 2022-06-28. Review status: criteria provided, single submitter. Criteria: Invitae Variant Classification Sherloc (09022015). Collection method: clinical testing. Allele origin: germline.